The following is an entry in ClinVar:

NM_004999.4(MYO6):c.2063A>T (p.Gln688Leu)

Gene: MYO6 (myosin VI; plus strand). Cytogenetic location: 6q14.1.
Variant type: single nucleotide variant.
Coding change: c.2063A>T on transcript NM_004999.4 (MANE Select); coding-DNA position 2063, A replaced by T.
Protein change: p.Gln688Leu; replaces glutamine 688 with leucine.
Molecular consequence: missense variant. On other transcripts: non-coding transcript variant (1).
Genome position (GRCh38, 1-based): chr6:75,873,286, A>T. VCF-style: chr6-75873286-A-T. GRCh37 (hg19) VCF-style: chr6-76583003-A-T.
Other names: c.2063A>T, p.Gln688Leu (NM_001300899.2, NM_001368136.1, NM_001368137.1 and 2 more transcripts); c.2048A>T, p.Gln683Leu (NM_001368138.1); short protein forms Q683L, Q688L.
Identifiers: ClinVar variation 930693 (VCV000930693.3), dbSNP rs1777294344, ClinGen allele CA364769359.

ClinVar aggregate classification (germline): Uncertain significance (1 of 4 stars; one submission).

Conditions:
Autosomal recessive nonsyndromic hearing loss 37. Identifiers: Orphanet 90636, MedGen C1843028, MONDO:0011912, OMIM 607821.

Submission:

Centre for Mendelian Genomics, University Medical Centre Ljubljana
Classification: Uncertain significance for Autosomal recessive nonsyndromic hearing loss 37. Last evaluated: 2020-02-13. Review status: criteria provided, single submitter. Criteria: ACMG Guidelines, 2015. Collection method: clinical testing. Allele origin: unknown. Affected: yes.
Comment: This variant was classified as: Uncertain significance. The available evidence on this variant's pathogenicity is insufficient or conflicting. The following ACMG criteria were applied in classifying this variant: PM2,PP3,BP1.